The following is an entry in ClinVar:

NM_004369.4(COL6A3):c.6945C>T (p.Phe2315=)

Gene: COL6A3 (collagen type VI alpha 3 chain; minus strand). Cytogenetic location: 2q37.3.
Variant type: single nucleotide variant.
Coding change: c.6945C>T on transcript NM_004369.4 (MANE Select); coding-DNA position 6945, C replaced by T.
Protein change: p.Phe2315=; no amino-acid change (phenylalanine 2315 retained).
Molecular consequence: synonymous variant.
Genome position (GRCh38, 1-based): chr2:237,348,370, G>A on the plus strand (C>T on the coding strand, the complement: COL6A3 is on the minus strand). VCF-style: chr2-237348370-G-A. GRCh37 (hg19) VCF-style: chr2-238257013-G-A.
Other names: p.Phe2315=; c.5124C>T, p.Phe1708= (NM_057166.5); c.6327C>T, p.Phe2109= (NM_057167.4).
Identifiers: ClinVar variation 94975 (VCV000094975.31), dbSNP rs2646265, ClinGen allele CA148006.

ClinVar aggregate classification (germline): Benign/Likely benign. Review status: criteria provided, multiple submitters, no conflicts (2 of 4 stars). 13 submissions from 13 submitters: Benign (9); Likely benign (1). 3 of the submissions do not count toward it. Last evaluated 2026-02-04.

Conditions:
Collagen 6-related myopathy. Identifiers: MedGen CN117976, MONDO:0100225.
Bethlem myopathy 1A. Also called: MYOPATHY, BENIGN CONGENITAL, WITH CONTRACTURES; Bethlem Muscular Dystrophy; Bethlem myopathy 1. Identifiers: Orphanet 610, MedGen CN029274, MONDO:0024530, OMIM 158810.

Allele frequency attached by ClinVar (database versions not stated): ESP Exome Variant Server 0.09772; gnomAD exomes 0.10482 and 0.11422; gnomAD 0.10608 and 0.10674; 1000 Genomes Project 0.10643; TOPMed 0.10774; 1000 Genomes Project 30x 0.10853; ExAC 0.10999.
gnomAD v4.1: 168,222 of 1,603,108 alleles (10%); highest among the groups gnomAD compares: Admixed American, 17%; 9,309 homozygotes.

Submissions (13):

Labcorp Genetics (formerly Invitae), Labcorp
Classification: Benign for Bethlem myopathy 1A. Last evaluated: 2026-02-04. Review status: criteria provided, single submitter. Criteria: Invitae Variant Classification Sherloc (09022015). Collection method: clinical testing. Allele origin: germline.

Blueprint Genetics
Classification: Likely benign. Last evaluated: 2024-11-26. Review status: criteria provided, single submitter. Criteria: ACMG Guidelines, 2015. Collection method: clinical testing. Allele origin: germline.

Unidad de Genómica Garrahan, Hospital de Pediatría Garrahan
Classification: Benign. Last evaluated: 2024-07-31. Review status: criteria provided, single submitter. Criteria: ACMG Guidelines, 2015. Collection method: clinical testing. Allele origin: germline. Affected: no. Observed: 34 variant alleles.
Comment: This variant is classified as Benign based on local population frequency. This variant was detected in 37% of patients studied in a panel designed for Epileptic and Developmental Encephalopathy, Progressive Myoclonus Epilepsy and Abnormal Movements and Neurodegeneration with brain iron accumulation. Number of patients: 34. Only high quality variants are reported.

Athena Diagnostics
Classification: Benign. Last evaluated: 2021-06-22. Review status: criteria provided, single submitter. Criteria: Athena Diagnostics Criteria. Collection method: clinical testing. Allele origin: unknown.

Illumina Laboratory Services, Illumina
Classification: Benign for Collagen VI-related myopathy. Last evaluated: 2018-01-13. Review status: criteria provided, single submitter. Criteria: ICSL Variant Classification Criteria 13 December 2019. Collection method: clinical testing. Allele origin: germline.
Comment: This variant was observed in the ICSL laboratory as part of a predisposition screen in an ostensibly healthy population. It had not been previously curated by ICSL or reported in the Human Gene Mutation Database (HGMD: prior to June 1st, 2018), and was therefore a candidate for classification through an automated scoring system. Utilizing variant allele frequency, disease prevalence and penetrance estimates, and inheritance mode, an automated score was calculated to assess if this variant is too frequent to cause the disease. Based on the score and internal cut-off values, a variant classified as benign is not then subjected to further curation. The score for this variant resulted in a classification of benign for this disease.

Mayo Clinic Laboratories, Mayo Clinic
Classification: Benign. Last evaluated: 2017-07-19. Review status: criteria provided, single submitter. Criteria: ACMG Guidelines, 2015. Collection method: clinical testing. Allele origin: germline. Observed: 169 variant alleles.

GeneDx
Classification: Benign. Last evaluated: 2016-01-26. Review status: criteria provided, single submitter. Criteria: GeneDx Variant Classification (06012015). Collection method: clinical testing. Allele origin: germline. Affected: yes.
Comment: This variant is considered likely benign or benign based on one or more of the following criteria: it is a conservative change, it occurs at a poorly conserved position in the protein, it is predicted to be benign by multiple in silico algorithms, and/or has population frequency not consistent with disease.

Eurofins Ntd Llc (ga)
Classification: Benign. Last evaluated: 2012-07-31. Review status: criteria provided, single submitter. Criteria: EGL Classification Definitions 2015. Collection method: clinical testing. Allele origin: germline. Observed: 17 variant alleles, 15 heterozygotes, 2 homozygotes.

Breakthrough Genomics
Classification: Benign. Review status: criteria provided, single submitter. Criteria: ACMG Guidelines, 2015. Collection method: not provided. Allele origin: germline. Inheritance: Autosomal recessive inheritance. Affected: yes.

PreventionGenetics, part of Exact Sciences
Classification: Benign. Review status: criteria provided, single submitter. Criteria: ACMG Guidelines, 2015. Collection method: clinical testing. Allele origin: germline.

Clinical Genetics, Academic Medical Center
Classification: Benign. Review status: no assertion criteria provided. Collection method: clinical testing. Allele origin: germline. Affected: yes. Study: VKGL Data-share Consensus. Not counted in ClinVar's aggregate classification.

Genetic Services Laboratory, University of Chicago
Classification: Likely benign for AllHighlyPenetrant. Review status: no assertion criteria provided. Collection method: clinical testing. Allele origin: germline. Not counted in ClinVar's aggregate classification.
Comment: Likely benign based on allele frequency in 1000 Genomes Project or ESP global frequency and its presence in a patient with a rare or unrelated disease phenotype. NOT Sanger confirmed.

Joint Genome Diagnostic Labs from Nijmegen and Maastricht, Radboudumc and MUMC+
Classification: Benign. Review status: no assertion criteria provided. Collection method: clinical testing. Allele origin: germline. Affected: yes. Study: VKGL Data-share Consensus. Not counted in ClinVar's aggregate classification.